The following is an entry in ClinVar:

NM_001252024.2(TRPM1):c.484G>A (p.Val162Ile)

Gene: TRPM1 (transient receptor potential cation channel subfamily M member 1; minus strand). Cytogenetic location: 15q13.3.
Variant type: single nucleotide variant.
Coding change: c.484G>A on transcript NM_001252024.2 (MANE Select); coding-DNA position 484, G replaced by A.
Protein change: p.Val162Ile; replaces valine 162 with isoleucine.
Molecular consequence: missense variant.
Genome position (GRCh38, 1-based): chr15:31,067,888, C>T on the plus strand (G>A on the coding strand, the complement: TRPM1 is on the minus strand). VCF-style: chr15-31067888-C-T. GRCh37 (hg19) VCF-style: chr15-31360091-C-T.
Other names: c.535G>A (NM_001252020.1); c.535G>A, p.Val179Ile (NM_001252020.2); c.418G>A, p.Val140Ile (NM_002420.6); short protein forms V140I, V162I, V179I.
Identifiers: ClinVar variation 1135479 (VCV001135479.8), dbSNP rs375553603, ClinGen allele CA7452946.

ClinVar aggregate classification (germline): Likely benign. Review status: criteria provided, multiple submitters, no conflicts (2 of 4 stars). 2 submissions from 2 submitters: Likely benign (2). Last evaluated 2026-01-15.

Conditions:
TRPM1-related disorder. Also called: TRPM1-related condition.

Allele frequency attached by ClinVar (database versions not stated): gnomAD exomes 0.00004 and 0.00030; gnomAD 0.00006 and 0.00007; TOPMed 0.00009; 1000 Genomes Project 30x 0.00016; 1000 Genomes Project 0.00020; ExAC 0.00029.
gnomAD v4.1: 71 of 1,612,858 alleles (0.0044%); highest among the groups gnomAD compares: East Asian, 0.14%; no homozygotes.

Submissions (2):

Labcorp Genetics (formerly Invitae), Labcorp
Classification: Likely benign. Last evaluated: 2026-01-15. Review status: criteria provided, single submitter. Criteria: Invitae Variant Classification Sherloc (09022015). Collection method: clinical testing. Allele origin: germline.

PreventionGenetics, part of Exact Sciences
Classification: Likely benign for TRPM1-related condition. Last evaluated: 2025-08-29. Review status: criteria provided, single submitter. Criteria: ACMG Guidelines, 2015. Collection method: clinical testing. Allele origin: germline.
Comment: This variant is classified as likely benign based on ACMG/AMP sequence variant interpretation guidelines (Richards et al. 2015 PMID: 25741868, with internal and published modifications).